The following is an entry in ClinVar:

ClinVar aggregate classification (germline): Likely pathogenic (1 of 4 stars; one submission).

Conditions:
Autosomal recessive limb-girdle muscular dystrophy type 2J (LGMDR10). Also called: Limb-girdle muscular dystrophy, type 2J; MUSCULAR DYSTROPHY, LIMB-GIRDLE, AUTOSOMAL RECESSIVE 10. Identifiers: Orphanet 140922, MedGen C1837342, MONDO:0012127, OMIM 608807.
Dilated cardiomyopathy 1G (CMD1G). Identifiers: Orphanet 154, MedGen C1858763, MONDO:0011400, OMIM 604145.

Submission:

Labcorp Genetics (formerly Invitae), Labcorp
Classification: Likely pathogenic for Dilated cardiomyopathy 1G; Autosomal recessive limb-girdle muscular dystrophy type 2J. Last evaluated: 2025-08-04. Review status: criteria provided, single submitter. Criteria: Invitae Variant Classification Sherloc (09022015). Collection method: clinical testing. Allele origin: germline.
Comment: This sequence change creates a premature translational stop signal (p.Ser25091Valfs*2) in the TTN gene. While this is not anticipated to result in nonsense mediated decay, it is expected to create a truncated TTN protein. This variant is not present in population databases (gnomAD no frequency). This variant has not been reported in the literature in individuals affected with TTN-related conditions. ClinVar contains an entry for this variant (Variation ID: 3753563). This variant is located in the A band of TTN (PMID: 25589632). Truncating variants in this region are significantly overrepresented in patients affected with dilated cardiomyopathy (PMID: 25589632). Truncating variants in this region have also been reported in individuals affected with autosomal recessive centronuclear myopathy (PMID: 23975875). In summary, the currently available evidence indicates that the variant is pathogenic, but additional data are needed to prove that conclusively. Therefore, this variant has been classified as Likely Pathogenic.

Literature cited by the submitters: PubMed 25589632; PubMed 23975875.

NM_001267550.2(TTN):c.75267_75270dup (p.Ser25091delinsValTer)

Genes: TTN (titin; minus strand), TTN-AS1 (TTN antisense RNA 1; plus strand). Cytogenetic location: 2q31.2.
Variant type: Duplication.
Coding change: c.75267_75270dup on transcript NM_001267550.2 (MANE Select); coding-DNA positions 75267 to 75270, 4 bases duplicated (GTTT; older notation c.75267_75270dupGTTT).
Protein change: p.Ser25091delinsValTer.
Molecular consequence: nonsense.
Genome position (GRCh38, 1-based): chr2:178,570,862-178,570,865, AAAC duplicated on the plus strand (GTTT on the coding strand, the reverse complement: TTN is on the minus strand); duplicating any 4 consecutive bases within chr2:178,570,862-178,570,866 gives the same sequence; the c. name uses the placement nearest the transcript's 3' end. VCF-style (leftmost placement, unchanged base first): chr2-178570861-T-TAAAC. GRCh37 (hg19) VCF-style: chr2-179435588-T-TAAAC.
Other names: c.70344_70347dup, p.Ser23450delinsValTer (NM_001256850.1); c.48072_48075dup, p.Ser16026delinsValTer (NM_003319.4); c.67563_67566dup, p.Ser22523delinsValTer (NM_133378.4); c.48447_48450dup, p.Ser16151delinsValTer (NM_133432.3); c.48648_48651dup, p.Ser16218delinsValTer (NM_133437.4).
Identifiers: ClinVar variation 3753563 (VCV003753563.2).